The following is an entry in ClinVar:

NM_145309.6(LRRC51):c.83-1_83del

Genes: LRRC51 (leucine rich repeat containing 51; plus strand), LRTOMT (leucine rich transmembrane and O-methyltransferase domain containing; plus strand). Cytogenetic location: 11q13.4.
Variant type: Deletion.
Coding change: c.83-1_83del on transcript NM_145309.6 (MANE Select); the canonical splice acceptor site of the intron before coding-DNA position 83 through coding-DNA position 83, 2 bases deleted (GA; older notation c.83-1_83delGA).
Molecular consequence: splice acceptor variant.
Genome position (GRCh38, 1-based): chr11:72,093,495-72,093,496, GA deleted; deleting any 2 consecutive bases within chr11:72,093,494-72,093,496 gives the same sequence; the c. name uses the placement nearest the transcript's 3' end. VCF-style (leftmost placement, unchanged base first): chr11-72093493-CAG-C. GRCh37 (hg19) VCF-style: chr11-71804539-CAG-C.
Other names: c.-321-1_-321del (NM_001145309.4, NM_001145310.4, NM_001145308.5); c.83-1_83del (NM_001271471.3, NM_001145307.5, NM_001318803.2); c.29-1_29del (NM_001205138.4).
Identifiers: ClinVar variation 3075852 (VCV003075852.1), dbSNP rs2499313829, ClinGen allele CA2792647481.

ClinVar aggregate classification (germline): Likely pathogenic (1 of 4 stars; one submission).

Conditions:
Rare genetic deafness. Identifiers: Orphanet 96210, MedGen C5680250.

Submission:

Laboratory for Molecular Medicine, Mass General Brigham Personalized Medicine
Classification: Likely pathogenic for Rare genetic deafness. Last evaluated: 2022-06-30. Review status: criteria provided, single submitter. Criteria: ACMG Guidelines, 2015. Collection method: clinical testing. Allele origin: germline.
Comment: The c.83-1_83delGA variant in LRTOMT has not been previously reported in individuals with nonsyndromic hearing loss and was absent from large population studies. This variant impacts the canonical splice site (+/- 1,2) and is predicted to cause altered splicing leading to an abnormal or absent protein. Loss of function of the LRTOMT gene is an established disease mechanism in autosomal recessive nonsyndromic hearing loss. ACMG criteria applied: PVS1, PM2_P.